The following is an entry in ClinVar:

NM_024298.5(MBOAT7):c.843A>C (p.Pro281=)

Gene: MBOAT7 (membrane bound acylglycerophosphatidylinositol O-acyltransferase MBOAT7; minus strand). Cytogenetic location: 19q13.42.
Variant type: single nucleotide variant.
Coding change: c.843A>C on transcript NM_024298.5 (MANE Select); coding-DNA position 843, A replaced by C.
Protein change: p.Pro281=; no amino-acid change (proline 281 retained).
Molecular consequence: synonymous variant.
Genome position (GRCh38, 1-based): chr19:54,180,784, T>G on the plus strand (A>C on the coding strand, the complement: MBOAT7 is on the minus strand). VCF-style: chr19-54180784-T-G. GRCh37 (hg19) VCF-style: chr19-54684501-T-G.
Other names: c.624A>C, p.Pro208= (NM_001146056.3, NM_001146083.3); c.843A>C, p.Pro281= (NM_001146082.3).
Identifiers: ClinVar variation 2650424 (VCV002650424.24), dbSNP rs1600650924, ClinGen allele CA2342732946.

ClinVar aggregate classification (germline): Likely benign (1 of 4 stars; one submission).

gnomAD v4.1: 11 of 1,367,054 alleles (0.0008%); highest among the groups gnomAD compares: South Asian, 0.0025%; 1 homozygote.

Submission:

CeGaT Center for Human Genetics Tuebingen
Classification: Likely benign. Last evaluated: 2024-06-01. Review status: criteria provided, single submitter. Criteria: CeGaT Center For Human Genetics Tuebingen Variant Classification Criteria Version 2. Collection method: clinical testing. Allele origin: germline. Affected: yes. Observed: 7 variant alleles.
Comment: MBOAT7: PM2:Supporting, BP4, BP7